The following is an entry in ClinVar:

NM_000094.4(COL7A1):c.1319del (p.Glu440fs)

Gene: COL7A1 (collagen type VII alpha 1 chain; minus strand). Cytogenetic location: 3p21.31.
Variant type: Deletion.
Coding change: c.1319del on transcript NM_000094.4 (MANE Select); coding-DNA position 1319, one base deleted (A; older notation c.1319delA).
Protein change: p.Glu440fs; shifts the reading frame from glutamic acid 440.
Molecular consequence: frameshift variant.
Genome position (GRCh38, 1-based): chr3:48,591,936, T deleted on the plus strand (A on the coding strand, the reverse complement: COL7A1 is on the minus strand). VCF-style (leftmost placement, unchanged base first): chr3-48591935-CT-C. GRCh37 (hg19) VCF-style: chr3-48629368-CT-C.
Other names: c.1319delA (NM_000094.3); short protein forms E440fs.
Identifiers: ClinVar variation 634903 (VCV000634903.2), dbSNP rs1559435706, ClinGen allele CA913190173.
Genomic context (GRCh38, chr3:48,591,935, plus strand): 5'-TCCATCCCTTCCCCCGCACTGACCAGTCTCACGCCGCCATTCCAACCGGTAGCCACGGGC[CT>C]CAGGCACCAAGTTCCAGGAAAGGAGGATGGATGTGGGGCCCAGGATGACCGGGCGCAGGG-3'

ClinVar aggregate classification (germline): Pathogenic (1 of 4 stars; one submission).

Conditions:
Recessive dystrophic epidermolysis bullosa (RDEB). Also called: Epidermolysis Bullosa Distrophica Autosomal Recessive (RDEB); epidermolysis bullosa dystrophica, autosomal recessive; DYSTROPHIC EPIDERMOLYSIS BULLOSA, AUTOSOMAL RECESSIVE; EPIDERMOLYSIS BULLOSA DYSTROPHICA, HALLOPEAU-SIEMENS TYPE; severe generalized recessive dystrophic epidermolysis bullosa; Recessive DEB (RDEB). Identifiers: Orphanet 79408, Orphanet 79409, MedGen C0079474, MONDO:0009179, OMIM 226600.

Submission:

Foundation for Research in Genetics and Endocrinology, FRIGE's Institute of Human Genetics
Classification: Pathogenic for Recessive dystrophic epidermolysis bullosa. Last evaluated: 2019-06-13. Review status: criteria provided, single submitter. Criteria: ACMG Guidelines, 2015. Collection method: clinical testing. Allele origin: germline. Inheritance: Autosomal recessive inheritance. Affected: yes. Observed: 1 heterozygote.
Comment: Heterozygous variant c.1319delA (p.Glu440GlyfsTer27) in exon 10 has been observed in COL7A1 gene. The variant has not been reported in the 1000 genomes and ExAC databases. The in-silico prediction of the variant is possibly damaging by MutationTaster2. In summary, the said variant meets our criteria to be classified as pathogenic based on the mode of inheritance, in silico prediction and allele frequency in population databases.